The following is an entry in ClinVar:

NM_024422.6(DSC2):c.1264-2A>T

Gene: DSC2 (desmocollin 2; minus strand). Cytogenetic location: 18q12.1.
Variant type: single nucleotide variant.
Coding change: c.1264-2A>T on transcript NM_024422.6 (MANE Select); the canonical splice acceptor site of the intron before coding-DNA position 1264, A replaced by T.
Molecular consequence: splice acceptor variant.
Genome position (GRCh38, 1-based): chr18:31,080,354, T>A on the plus strand (A>T on the coding strand, the complement: DSC2 is on the minus strand). VCF-style: chr18-31080354-T-A. GRCh37 (hg19) VCF-style: chr18-28660320-T-A.
Other names: c.1264-2A>T (NM_004949.5); c.835-2A>T (NM_001406506.1, NM_001406507.1).
Identifiers: ClinVar variation 4722377 (VCV004722377.1).

ClinVar aggregate classification (germline): Likely pathogenic (1 of 4 stars; one submission).

Conditions:
Arrhythmogenic right ventricular dysplasia 11. Also called: ARRHYTHMOGENIC RIGHT VENTRICULAR DYSPLASIA, FAMILIAL, 11; Arrhythmogenic Right Ventricular Dysplasia/Cardiomyopathy11; Arrhythmogenic right ventricular dysplasia 11 with mild palmoplantar keratoderma and woolly hair. Identifiers: MedGen C1864850, MONDO:0012506, OMIM 610476.

Submission:

Labcorp Genetics (formerly Invitae), Labcorp
Classification: Likely pathogenic for Arrhythmogenic right ventricular dysplasia 11. Last evaluated: 2025-06-30. Review status: criteria provided, single submitter. Criteria: Invitae Variant Classification Sherloc (09022015). Collection method: clinical testing. Allele origin: germline.
Comment: This sequence change affects an acceptor splice site in intron 9 of the DSC2 gene. It is expected to disrupt RNA splicing. Variants that disrupt the donor or acceptor splice site typically lead to a loss of protein function (PMID: 16199547), and loss-of-function variants in DSC2 are known to be pathogenic (PMID: 23911551). This variant is not present in population databases (gnomAD no frequency). This variant has not been reported in the literature in individuals affected with DSC2-related conditions. Algorithms developed to predict the effect of sequence changes on RNA splicing suggest that this variant may disrupt the consensus splice site. In summary, the currently available evidence indicates that the variant is pathogenic, but additional data are needed to prove that conclusively. Therefore, this variant has been classified as Likely Pathogenic.

Literature cited by the submitters: PubMed 16199547; PubMed 23911551.